The following is an entry in ClinVar:

ClinVar aggregate classification (germline): Uncertain significance (1 of 4 stars; one submission).

Conditions:
Combined immunodeficiency due to OX40 deficiency. Also called: Immunodeficiency 16; OX40 DEFICIENCY. Identifiers: Orphanet 431149, MedGen C3810053, MONDO:0014268, OMIM 615593.

Allele frequency attached by ClinVar (database versions not stated): TOPMed below 0.00001; gnomAD 0.00001.

Submission:

Labcorp Genetics (formerly Invitae), Labcorp
Classification: Uncertain significance for Combined immunodeficiency due to OX40 deficiency. Last evaluated: 2025-03-30. Review status: criteria provided, single submitter. Criteria: Invitae Variant Classification Sherloc (09022015). Collection method: clinical testing. Allele origin: germline.
Comment: This sequence change replaces alanine, which is neutral and non-polar, with serine, which is neutral and polar, at codon 150 of the TNFRSF4 protein (p.Ala150Ser). The frequency data for this variant in the population databases is considered unreliable, as metrics indicate poor data quality at this position in the gnomAD database. This variant has not been reported in the literature in individuals affected with TNFRSF4-related conditions. ClinVar contains an entry for this variant (Variation ID: 581981). An algorithm developed to predict the effect of missense changes on protein structure and function outputs the following: PolyPhen-2: "Benign". The serine amino acid residue is found in multiple mammalian species, which suggests that this missense change does not adversely affect protein function. In summary, the available evidence is currently insufficient to determine the role of this variant in disease. Therefore, it has been classified as a Variant of Uncertain Significance.

NM_003327.4(TNFRSF4):c.448G>T (p.Ala150Ser)

Gene: TNFRSF4 (TNF receptor superfamily member 4; minus strand). Cytogenetic location: 1p36.33.
Variant type: single nucleotide variant.
Coding change: c.448G>T on transcript NM_003327.4 (MANE Select); coding-DNA position 448, G replaced by T.
Protein change: p.Ala150Ser; replaces alanine 150 with serine.
Molecular consequence: missense variant.
Genome position (GRCh38, 1-based): chr1:1,212,128, C>A on the plus strand (G>T on the coding strand, the complement: TNFRSF4 is on the minus strand). VCF-style: chr1-1212128-C-A. GRCh37 (hg19) VCF-style: chr1-1147508-C-A.
Other names: c.448G>T, p.Ala150Ser (LRG_1319t1); short protein forms A150S.
Identifiers: ClinVar variation 581981 (VCV000581981.8), dbSNP rs1285284406, ClinGen allele CA337799732.
Genomic context (GRCh38, chr1:1,212,128, plus strand): 5'-CCCTGTCCTCACAGATTGCGTCCGAGCTATTGCTGGCCGGCTGCAGGGTGTGCTTCCCAG[C>A]CAAGGTGCAGCTGTTGGGGAACAGGAGGTGTTGCTCAGGCCAGAAACCCCCTGGGACCCG-3'
Protein context (NP_003318.1, residues 140-160): ACKPWTNCTL[Ala150Ser]GKHTLQPASN